The following is an entry in ClinVar:

ClinVar aggregate classification (germline): Benign/Likely benign. Review status: criteria provided, multiple submitters, no conflicts (2 of 4 stars). 8 submissions from 8 submitters: Benign (1); Likely benign (7). Last evaluated 2026-01-06.

Conditions:
Hypokalemic periodic paralysis, type 1. Also called: Hypokalemic Periodic Paralysis Type 1 (AD); HypoPP. Identifiers: Orphanet 681, MedGen C3714580, MONDO:0042979, OMIM 170400.
Potassium-aggravated myotonia. Also called: SODIUM CHANNEL MUSCLE DISEASE; Myotonia congenita, atypical, acetazolamide-responsive; MYOTONIA CONGENITA, ACETAZOLAMIDE-RESPONSIVE; MYOTONIA CONGENITA, ATYPICAL. Identifiers: Orphanet 612, Orphanet 99734, Orphanet 99735, Orphanet 99736, MedGen C2931826, MONDO:0018959, OMIM 608390.
Paramyotonia congenita of Von Eulenburg. Also called: Eulenburg disease; Myotonia congenita intermittens; Von Eulenburg paramyotonia congenita; Paramyotonia Congenita; PARALYSIS PERIODICA PARAMYOTONICA. Identifiers: Orphanet 684, MedGen C0221055, MONDO:0008195, OMIM 168300. Disease mechanism: loss of function.
Hypokalemic periodic paralysis, type 2 (HOKPP2). Identifiers: Orphanet 681, MedGen C2750061, MONDO:0013234, OMIM 613345.
Congenital myasthenic syndrome 16. Identifiers: Orphanet 590, MedGen C3280112, MONDO:0013620, OMIM 614198.
Hyperkalemic periodic paralysis. Also called: Familial hyperkalemic periodic paralysis; Gamstorp disease. Identifiers: Orphanet 682, MedGen C0238357, MONDO:0008224, OMIM 170500, HP:0007215.
SCN4A-related disorder. Also called: SCN4A-related disorders.

Allele frequency attached by ClinVar (database versions not stated): gnomAD 0.00194 and 0.00209; gnomAD exomes 0.00048 and 0.00022; 1000 Genomes Project 0.00160; ESP Exome Variant Server 0.00178; 1000 Genomes Project 30x 0.00125; TOPMed 0.00243; ExAC 0.00074.
gnomAD v4.1: 647 of 1,595,576 alleles (0.041%); highest among the groups gnomAD compares: African/African-American, 0.68%; 3 homozygotes.

Submissions (8):

Labcorp Genetics (formerly Invitae), Labcorp
Classification: Benign for Hyperkalemic periodic paralysis. Last evaluated: 2026-01-06. Review status: criteria provided, single submitter. Criteria: Invitae Variant Classification Sherloc (09022015). Collection method: clinical testing. Allele origin: germline.

PreventionGenetics, part of Exact Sciences
Classification: Likely benign for SCN4A-related condition. Last evaluated: 2025-02-07. Review status: criteria provided, single submitter. Criteria: ACMG Guidelines, 2015. Collection method: clinical testing. Allele origin: germline.
Comment: This variant is classified as likely benign based on ACMG/AMP sequence variant interpretation guidelines (Richards et al. 2015 PMID: 25741868, with internal and published modifications).

Blueprint Genetics
Classification: Likely benign. Last evaluated: 2024-11-25. Review status: criteria provided, single submitter. Criteria: ACMG Guidelines, 2015. Collection method: clinical testing. Allele origin: germline.

CeGaT Center for Human Genetics Tuebingen
Classification: Likely benign. Last evaluated: 2024-06-01. Review status: criteria provided, single submitter. Criteria: CeGaT Center For Human Genetics Tuebingen Variant Classification Criteria Version 2. Collection method: clinical testing. Allele origin: germline. Affected: yes. Observed: 1 variant allele.
Comment: SCN4A: BP4

Fulgent Genetics
Classification: Likely benign for Paramyotonia congenita of Von Eulenburg; Hypokalemic periodic paralysis, type 1; Hyperkalemic periodic paralysis; Potassium-aggravated myotonia; Hypokalemic periodic paralysis, type 2; Congenital myasthenic syndrome 16. Last evaluated: 2022-05-12. Review status: criteria provided, single submitter. Criteria: ACMG Guidelines, 2015. Collection method: clinical testing. Allele origin: unknown.

GeneDx
Classification: Likely benign. Last evaluated: 2021-10-27. Review status: criteria provided, single submitter. Criteria: GeneDx Variant Classification Process June 2021. Collection method: clinical testing. Allele origin: germline. Affected: yes.

Eurofins Ntd Llc (ga)
Classification: Likely benign. Last evaluated: 2017-10-02. Review status: criteria provided, single submitter. Criteria: EGL Classification Definitions 2015. Collection method: clinical testing. Allele origin: germline. Observed: 1 variant allele, 1 heterozygote.

Breakthrough Genomics
Classification: Likely benign. Review status: criteria provided, single submitter. Criteria: ACMG Guidelines, 2015. Collection method: not provided. Allele origin: germline. Inheritance: Autosomal recessive inheritance. Affected: yes.

NM_000334.4(SCN4A):c.1453-4A>G

Gene: SCN4A (sodium voltage-gated channel alpha subunit 4; minus strand). Cytogenetic location: 17q23.3.
Variant type: single nucleotide variant.
Coding change: c.1453-4A>G on transcript NM_000334.4 (MANE Select); 4 bases into the intron before coding-DNA position 1453, A replaced by G.
Molecular consequence: intron variant.
Genome position (GRCh38, 1-based): chr17:63,963,829, T>C on the plus strand (A>G on the coding strand, the complement: SCN4A is on the minus strand). VCF-style: chr17-63963829-T-C. GRCh37 (hg19) VCF-style: chr17-62041189-T-C.
Identifiers: ClinVar variation 385477 (VCV000385477.41), dbSNP rs111818485, ClinGen allele CA8709833.